The following is an entry in ClinVar:

NM_017617.5(NOTCH1):c.2705G>C (p.Arg902Pro)

Gene: NOTCH1 (notch receptor 1; minus strand). Cytogenetic location: 9q34.3.
Variant type: single nucleotide variant.
Coding change: c.2705G>C on transcript NM_017617.5 (MANE Select); coding-DNA position 2705, G replaced by C.
Protein change: p.Arg902Pro; replaces arginine 902 with proline.
Molecular consequence: missense variant.
Genome position (GRCh38, 1-based): chr9:136,510,688, C>G on the plus strand (G>C on the coding strand, the complement: NOTCH1 is on the minus strand). VCF-style: chr9-136510688-C-G. GRCh37 (hg19) VCF-style: chr9-139405140-C-G.
Other names: short protein forms R902P.
Identifiers: ClinVar variation 1698335 (VCV001698335.2), dbSNP rs373075482, ClinGen allele CA375554823.

ClinVar aggregate classification (germline): Uncertain significance (1 of 4 stars; one submission).

Submission:

GeneDx
Classification: Uncertain significance. Last evaluated: 2022-01-20. Review status: criteria provided, single submitter. Criteria: GeneDx Variant Classification Process June 2021. Collection method: clinical testing. Allele origin: germline. Affected: yes.
Comment: Not observed at significant frequency in large population cohorts (gnomAD); In silico analysis supports that this missense variant does not alter protein structure/function; Has not been previously published as pathogenic or benign to our knowledge